The following is an entry in ClinVar:

ClinVar aggregate classification (germline): Likely pathogenic (1 of 4 stars; one submission).

Conditions:
Gaucher disease. Also called: Acute cerebral Gaucher disease; Cerebroside lipidosis syndrome; Gaucher splenomegaly; Sphingolipidosis 1; Glucocerebrosidosis; Glucosylceramidase deficiency. Identifiers: Orphanet 355, MedGen C0017205, MONDO:0018150.

Submission:

Natera, Inc.
Classification: Likely pathogenic for Gaucher disease. Last evaluated: 2024-08-12. Review status: criteria provided, single submitter. Criteria: Natera Variant Classification Schema (03/2026). Collection method: clinical testing. Allele origin: germline.
Comment: The c.1462_1505+9del variant in GBA1 is a frameshift variant predicted to shift the reading frame and introduce a stop codon. This variant is expected to result in nonsense mediated decay, truncation, or a dysfunctional protein product. This variant is rare in the general population with a frequency below the threshold expected for the associated phenotype(s). Given the available evidence, this variant is classified as Likely Pathogenic.

NM_000157.4(GBA1):c.1462_1505+9del

Genes: GBA1 (glucosylceramidase beta 1; minus strand), LOC106627981 (GBA recombination region; plus strand). Cytogenetic location: 1q22.
Variant type: Deletion.
Coding change: c.1462_1505+9del on transcript NM_000157.4 (MANE Select); coding-DNA position 1462 through 9 bases into the intron after coding-DNA position 1505, 53 bases deleted.
Molecular consequence: splice donor variant.
Genome position (GRCh38, 1-based): chr1:155,235,186-155,235,238, 53 bases deleted. GRCh37 (hg19): chr1:155,204,981-155,205,033.
Other names: c.1201_1244+9del (NM_001171811.2); c.1462_1505+9del (NM_001005742.3, NM_001005741.3); c.1315_1358+9del (NM_001171812.2).
Identifiers: ClinVar variation 4817727 (VCV004817727.1).